The following is an entry in ClinVar:

NM_147127.5(EVC2):c.2108C>T (p.Ala703Val)

Gene: EVC2 (EvC ciliary complex subunit 2; minus strand). Cytogenetic location: 4p16.2.
Variant type: single nucleotide variant.
Coding change: c.2108C>T on transcript NM_147127.5 (MANE Select); coding-DNA position 2108, C replaced by T.
Protein change: p.Ala703Val; replaces alanine 703 with valine.
Molecular consequence: missense variant.
Genome position (GRCh38, 1-based): chr4:5,622,930, G>A on the plus strand (C>T on the coding strand, the complement: EVC2 is on the minus strand). VCF-style: chr4-5622930-G-A. GRCh37 (hg19) VCF-style: chr4-5624657-G-A.
Other names: c.2108C>T (NM_147127.4); c.1868C>T, p.Ala623Val (NM_001166136.2); short protein forms A623V, A703V.
Identifiers: ClinVar variation 2148091 (VCV002148091.3), dbSNP rs754954578, ClinGen allele CA2834801.

ClinVar aggregate classification (germline): Uncertain significance. Review status: criteria provided, multiple submitters, no conflicts (2 of 4 stars). 2 submissions from 2 submitters: Uncertain significance (2). Last evaluated 2024-08-08.

Conditions:
Inborn genetic diseases. Identifiers: MedGen C0950123, MeSH D030342.
Ellis-van Creveld syndrome (EVC). Also called: Chondroectodermal dysplasia; EVC-Related Ellis-van Creveld Syndrome; EVC2-Related Ellis-van Creveld Syndrome; MESOECTODERMAL DYSPLASIA. Identifiers: Orphanet 289, MedGen C0013903, MONDO:0009162, OMIM 225500.
Curry-Hall syndrome (WAD). Also called: WEYERS ACRODENTAL DYSOSTOSIS. Identifiers: Orphanet 952, MedGen C0457013, MONDO:0008673, OMIM 193530.

Allele frequency attached by ClinVar (database versions not stated): gnomAD 0.00001; TOPMed 0.00001; ExAC 0.00002; gnomAD exomes 0.00002.
gnomAD v4.1: 26 of 1,614,122 alleles (0.0016%); highest among the groups gnomAD compares: Middle Eastern, 0.016%; no homozygotes.

Submissions (2):

Labcorp Genetics (formerly Invitae), Labcorp
Classification: Uncertain significance for Curry-Hall syndrome; Ellis-van Creveld syndrome. Last evaluated: 2024-08-08. Review status: criteria provided, single submitter. Criteria: Invitae Variant Classification Sherloc (09022015). Collection method: clinical testing. Allele origin: germline.
Comment: This sequence change replaces alanine, which is neutral and non-polar, with valine, which is neutral and non-polar, at codon 703 of the EVC2 protein (p.Ala703Val). This variant is present in population databases (rs754954578, gnomAD 0.006%). This variant has not been reported in the literature in individuals affected with EVC2-related conditions. ClinVar contains an entry for this variant (Variation ID: 2148091). An algorithm developed to predict the effect of missense changes on protein structure and function outputs the following: PolyPhen-2: "Benign". The valine amino acid residue is found in multiple mammalian species, which suggests that this missense change does not adversely affect protein function. In summary, the available evidence is currently insufficient to determine the role of this variant in disease. Therefore, it has been classified as a Variant of Uncertain Significance.

Ambry Genetics
Classification: Uncertain significance for Inborn genetic diseases. Last evaluated: 2022-11-30. Review status: criteria provided, single submitter. Criteria: Ambry Variant Classification Scheme 2023. Collection method: clinical testing. Allele origin: germline.